The following is an entry in ClinVar:

NM_152296.5(ATP1A3):c.1491G>C (p.Met497Ile)

Gene: ATP1A3 (ATPase Na+/K+ transporting subunit alpha 3; minus strand). Cytogenetic location: 19q13.2.
Variant type: single nucleotide variant.
Coding change: c.1491G>C on transcript NM_152296.5 (MANE Select); coding-DNA position 1491, G replaced by C.
Protein change: p.Met497Ile; replaces methionine 497 with isoleucine.
Molecular consequence: missense variant.
Genome position (GRCh38, 1-based): chr19:41,978,745, C>G on the plus strand (G>C on the coding strand, the complement: ATP1A3 is on the minus strand). VCF-style: chr19-41978745-C-G. GRCh37 (hg19) VCF-style: chr19-42482897-C-G.
Other names: c.1524G>C, p.Met508Ile (NM_001256213.2); c.1530G>C, p.Met510Ile (NM_001256214.2); short protein forms M510I, M497I, M508I.
Identifiers: ClinVar variation 835738 (VCV000835738.9), dbSNP rs2075198787, ClinGen allele CA406047274.

ClinVar aggregate classification (germline): Uncertain significance (1 of 4 stars; one submission).

Conditions:
Dystonia 12 (DYT12). Also called: Rapid-Onset Dystonia-Parkinsonism (RDP); DYT-ATP1A3. Identifiers: Orphanet 71517, MedGen C1868681, MONDO:0007496, OMIM 128235.

Submission:

Labcorp Genetics (formerly Invitae), Labcorp
Classification: Uncertain significance for Dystonia 12. Last evaluated: 2024-11-11. Review status: criteria provided, single submitter. Criteria: Invitae Variant Classification Sherloc (09022015). Collection method: clinical testing. Allele origin: germline.
Comment: This sequence change replaces methionine, which is neutral and non-polar, with isoleucine, which is neutral and non-polar, at codon 497 of the ATP1A3 protein (p.Met497Ile). This variant is not present in population databases (gnomAD no frequency). This variant has not been reported in the literature in individuals affected with ATP1A3-related conditions. ClinVar contains an entry for this variant (Variation ID: 835738). Invitae Evidence Modeling of protein sequence and biophysical properties (such as structural, functional, and spatial information, amino acid conservation, physicochemical variation, residue mobility, and thermodynamic stability) has been performed for this missense variant. However, the output from this modeling did not meet the statistical confidence thresholds required to predict the impact of this variant on ATP1A3 protein function. In summary, the available evidence is currently insufficient to determine the role of this variant in disease. Therefore, it has been classified as a Variant of Uncertain Significance.